The following is an entry in ClinVar:

NM_015294.6(TRIM37):c.181C>T (p.Arg61Ter)

Gene: TRIM37 (tripartite motif containing 37; minus strand). Cytogenetic location: 17q22.
Variant type: single nucleotide variant.
Coding change: c.181C>T on transcript NM_015294.6 (MANE Select); coding-DNA position 181, C replaced by T.
Protein change: p.Arg61Ter; replaces arginine 61 with a stop codon.
Molecular consequence: nonsense. On other transcripts: 5 prime UTR variant (3), non-coding transcript variant (2).
Genome position (GRCh38, 1-based): chr17:59,088,391, G>A on the plus strand (C>T on the coding strand, the complement: TRIM37 is on the minus strand). VCF-style: chr17-59088391-G-A. GRCh37 (hg19) VCF-style: chr17-57165752-G-A.
Other names: c.181C>T, p.Arg61Ter (NM_001005207.5, NM_001320988.3, NM_001320989.3 and 2 more transcripts); c.79C>T, p.Arg27Ter (NM_001320987.3, NM_001353082.2); c.-186C>T (NM_001320990.3); c.-572C>T (NM_001353083.2); c.-194C>T (NM_001353085.2); short protein forms R61*, R27*.
Identifiers: ClinVar variation 623386 (VCV000623386.10), dbSNP rs373520509, ClinGen allele CA8678685.
Genomic context (GRCh38, chr17:59,088,391, plus strand): 5'-GTTGAAGAGTATCAAGCTGTTGTGTTACTTCTTCTGCCCAACGACAATTTACTAGTTCTC[G>A]TAGCTGGAGTGGAGCACTGGGGAGAAAATCCATACACATACACTAATTCAGGAATTTGAG-3'

ClinVar aggregate classification (germline): Pathogenic. Review status: criteria provided, multiple submitters, no conflicts (2 of 4 stars). 5 submissions from 5 submitters: Pathogenic (5). Last evaluated 2025-02-16.

Conditions:
Mulibrey nanism syndrome. Also called: MUSCLE-LIVER-BRAIN-EYE NANISM; PERHEENTUPA SYNDROME; PERICARDIAL CONSTRICTION AND GROWTH FAILURE. Identifiers: Orphanet 2576, MedGen C0524582, MONDO:0009664, OMIM 253250.

Allele frequency attached by ClinVar (database versions not stated): gnomAD exomes 0.00001; TOPMed 0.00002; ESP Exome Variant Server 0.00008.

Submissions (5):

Laboratory of Genetics, Children's Clinical University Hospital Latvia
Classification: Pathogenic. Last evaluated: 2025-02-16. Review status: criteria provided, single submitter. Criteria: ACMG Guidelines, 2015. Collection method: clinical testing. Allele origin: germline. Affected: yes.

Baylor Genetics
Classification: Pathogenic for Mulibrey nanism syndrome. Last evaluated: 2024-02-13. Review status: criteria provided, single submitter. Criteria: ACMG Guidelines, 2015. Collection method: clinical testing. Allele origin: unknown.

Labcorp Genetics (formerly Invitae), Labcorp
Classification: Pathogenic. Last evaluated: 2023-12-03. Review status: criteria provided, single submitter. Criteria: Invitae Variant Classification Sherloc (09022015). Collection method: clinical testing. Allele origin: germline.
Comment: This sequence change creates a premature translational stop signal (p.Arg61*) in the TRIM37 gene. It is expected to result in an absent or disrupted protein product. Loss-of-function variants in TRIM37 are known to be pathogenic (PMID: 10888877, 15108285). This variant is present in population databases (rs373520509, gnomAD 0.002%). This premature translational stop signal has been observed in individuals with Mulibrey nanism (PMID: 28815877). ClinVar contains an entry for this variant (Variation ID: 623386). For these reasons, this variant has been classified as Pathogenic.

Genetics and Genomic Medicine Centre, NeuroGen Healthcare, NeuroGen Healthcare
Classification: Pathogenic for Mulibrey nanism syndrome. Last evaluated: 2021-09-28. Review status: criteria provided, single submitter. Criteria: Submitter's publication. Collection method: clinical testing. Allele origin: unknown. Affected: no.

Department of Genetics, Sultan Qaboos University Hospital
Classification: Pathogenic for Mulibrey nanism syndrome. Last evaluated: 2017-12-30. Review status: criteria provided, single submitter. Criteria: ACMG Guidelines, 2015. Collection method: clinical testing. Allele origin: unknown. Affected: yes.

Literature cited by the submitters: PubMed 10888877 (cited by Labcorp Genetics (formerly Invitae), Labcorp); PubMed 15108285 (cited by Labcorp Genetics (formerly Invitae), Labcorp); PubMed 28815877 (cited by Labcorp Genetics (formerly Invitae), Labcorp).